The following is an entry in ClinVar:

NM_001164665.2(KIAA1549):c.1676C>T (p.Ser559Leu)

Gene: KIAA1549 (KIAA1549; minus strand). Cytogenetic location: 7q34.
Variant type: single nucleotide variant.
Coding change: c.1676C>T on transcript NM_001164665.2 (MANE Select); coding-DNA position 1676, C replaced by T.
Protein change: p.Ser559Leu; replaces serine 559 with leucine.
Molecular consequence: missense variant.
Genome position (GRCh38, 1-based): chr7:138,917,950, G>A on the plus strand (C>T on the coding strand, the complement: KIAA1549 is on the minus strand). VCF-style: chr7-138917950-G-A. GRCh37 (hg19) VCF-style: chr7-138602696-G-A.
Other names: c.1676C>T, p.Ser559Leu (NM_020910.3); short protein forms S559L.
Identifiers: ClinVar variation 1043745 (VCV001043745.5), dbSNP rs1435117068, ClinGen allele CA369397753.

ClinVar aggregate classification (germline): Uncertain significance. Review status: criteria provided, multiple submitters, no conflicts (2 of 4 stars). 2 submissions from 2 submitters: Uncertain significance (2). Last evaluated 2022-08-09.

Allele frequency attached by ClinVar (database versions not stated): gnomAD exomes below 0.00001; gnomAD 0.00001; TOPMed 0.00007.
gnomAD v4.1: 10 of 1,592,604 alleles (0.00063%); highest among the groups gnomAD compares: African/African-American, 0.0027%; no homozygotes.

Submissions (2):

Labcorp Genetics (formerly Invitae), Labcorp
Classification: Uncertain significance. Last evaluated: 2022-08-09. Review status: criteria provided, single submitter. Criteria: Invitae Variant Classification Sherloc (09022015). Collection method: clinical testing. Allele origin: germline.
Comment: This sequence change replaces serine, which is neutral and polar, with leucine, which is neutral and non-polar, at codon 559 of the KIAA1549 protein (p.Ser559Leu). The frequency data for this variant in the population databases is considered unreliable, as metrics indicate poor data quality at this position in the gnomAD database. This variant has not been reported in the literature in individuals affected with KIAA1549-related conditions. ClinVar contains an entry for this variant (Variation ID: 1043745). Algorithms developed to predict the effect of missense changes on protein structure and function output the following: SIFT: "Tolerated"; PolyPhen-2: "Benign"; Align-GVGD: "Class C0". The leucine amino acid residue is found in multiple mammalian species, which suggests that this missense change does not adversely affect protein function. In summary, the available evidence is currently insufficient to determine the role of this variant in disease. Therefore, it has been classified as a Variant of Uncertain Significance.

Blueprint Genetics
Classification: Uncertain significance. Last evaluated: 2021-05-10. Review status: criteria provided, single submitter. Criteria: ACMG Guidelines, 2015. Collection method: clinical testing. Allele origin: germline.